The following is an entry in ClinVar:

NM_000277.3(PAH):c.1065+3A>G

Gene: PAH (phenylalanine hydroxylase; minus strand). Cytogenetic location: 12q23.2.
Variant type: single nucleotide variant.
Coding change: c.1065+3A>G on transcript NM_000277.3 (MANE Select); 3 bases into the intron after coding-DNA position 1065, A replaced by G.
Molecular consequence: intron variant.
Genome position (GRCh38, 1-based): chr12:102,844,333, T>C on the plus strand (A>G on the coding strand, the complement: PAH is on the minus strand). VCF-style: chr12-102844333-T-C. GRCh37 (hg19) VCF-style: chr12-103238111-T-C.
Other names: NM_000277.2(PAH):c.1065+3A>G; IVS10DS, A-G, +3; c.1065+3A>G (NM_001354304.2).
Identifiers: ClinVar variation 633 (VCV000000633.8), dbSNP rs62508689, ClinGen allele CA212751.

ClinVar aggregate classification (germline): Likely pathogenic. Review status: reviewed by expert panel (3 of 4 stars). 5 submissions from 5 submitters: Likely pathogenic (1). 4 of the submissions do not count toward it. Last evaluated 2018-12-10.

Conditions:
Hyperphenylalaninemia. Also called: Hyperphenylalaninaemia; Hyperphenylalaninemia (HPA); Hyperphenylalaninemia, non-pku. Identifiers: MedGen C0751435, HP:0004923.
Phenylketonuria (PKU). Also called: Phenylketonuria (PKU); Phenylketonurias; OLIGOPHRENIA PHENYLPYRUVICA; FOLLING DISEASE. Identifiers: Orphanet 716, MedGen C0031485, MONDO:0009861, OMIM 261600. Disease mechanism: loss of function.

Submissions (5):

ClinGen PAH Variant Curation Expert Panel
Classification: Likely pathogenic for Phenylketonuria. Last evaluated: 2018-12-10. Review status: reviewed by expert panel. Criteria: ClinGen PAH ACMG Specifications v1. Collection method: curation. Allele origin: germline. Inheritance: Autosomal recessive inheritance.
Comment: The c.1065+3A>G variant in PAH was detected in 2 siblings with an increased serum Phenylalanine level of 365 uM. BH4 deficiency was not assessed/reported. (PMID: 8088845) They were compound heterozygous for Y414C. The c.1065+3A>G variant is absent from ExAC, gnomAD, 1000G, and ESP. A deleterious effect is predicted for this variant in HSF and MaxEnt (Alteration of the WT donor site; activation of an intronic cryptic donor site). In summary, this variant meets criteria to be classified as likely pathogenic for PAH. PAH-specific ACMG/AMP criteria applied: PM2, PM3, PP1, PP3, PP4.

Quest Diagnostics Nichols Institute San Juan Capistrano
Classification: Uncertain significance. Last evaluated: 2018-01-14. Review status: criteria provided, single submitter. Criteria: Quest Diagnostics criteria. Collection method: clinical testing. Allele origin: germline. Not counted in ClinVar's aggregate classification.

Eurofins Ntd Llc (ga)
Classification: Uncertain significance. Last evaluated: 2015-09-29. Review status: criteria provided, single submitter. Criteria: EGL Classification Definitions 2015. Collection method: clinical testing. Allele origin: germline. Observed: 1 variant allele, 1 heterozygote. Not counted in ClinVar's aggregate classification.

OMIM
Classification: Pathogenic for HYPERPHENYLALANINEMIA, NON-PKU. Last evaluated: 1994-05-15. Review status: no assertion criteria provided. Collection method: literature only. Allele origin: germline. Not counted in ClinVar's aggregate classification.

DeBelle Laboratory for Biochemical Genetics, MUHC/MCH RESEARCH INSTITUTE
No classification provided. Review status: no classification provided. Collection method: not provided. Allele origin: not provided. Not counted in ClinVar's aggregate classification.

Literature cited by the submitters: PubMed 8088845 (cited by ClinGen PAH Variant Curation Expert Panel and OMIM).